The following is an entry in ClinVar:

ClinVar aggregate classification (germline): Uncertain significance (1 of 4 stars; one submission).

Allele frequency attached by ClinVar (database versions not stated): TOPMed 0.00001; gnomAD 0.00004; 1000 Genomes Project 30x 0.00016; 1000 Genomes Project 0.00020.

Submission:

Labcorp Genetics (formerly Invitae), Labcorp
Classification: Uncertain significance. Last evaluated: 2022-03-04. Review status: criteria provided, single submitter. Criteria: Invitae Variant Classification Sherloc (09022015). Collection method: clinical testing. Allele origin: germline.
Comment: This sequence change replaces arginine, which is basic and polar, with tryptophan, which is neutral and slightly polar, at codon 314 of the DNASE2 protein (p.Arg314Trp). This variant is present in population databases (rs544319961, gnomAD 0.006%). This variant has not been reported in the literature in individuals affected with DNASE2-related conditions. Algorithms developed to predict the effect of missense changes on protein structure and function (SIFT, PolyPhen-2, Align-GVGD) all suggest that this variant is likely to be disruptive. In summary, the available evidence is currently insufficient to determine the role of this variant in disease. Therefore, it has been classified as a Variant of Uncertain Significance.

NM_001375.3(DNASE2):c.940C>T (p.Arg314Trp)

Gene: DNASE2 (deoxyribonuclease 2, lysosomal; minus strand). Cytogenetic location: 19p13.13.
Variant type: single nucleotide variant.
Coding change: c.940C>T on transcript NM_001375.3 (MANE Select); coding-DNA position 940, C replaced by T.
Protein change: p.Arg314Trp; replaces arginine 314 with tryptophan.
Molecular consequence: missense variant.
Genome position (GRCh38, 1-based): chr19:12,876,133, G>A on the plus strand (C>T on the coding strand, the complement: DNASE2 is on the minus strand). VCF-style: chr19-12876133-G-A. GRCh37 (hg19) VCF-style: chr19-12986947-G-A.
Other names: short protein forms R314W.
Identifiers: ClinVar variation 1523415 (VCV001523415.3), dbSNP rs544319961, ClinGen allele CA9233667.
Genomic context (GRCh38, chr19:12,876,133, plus strand): 5'-AGAGGGCTGGCAGCTGGGCACACAGTGTGCCCCCACCCCGTTGCTCCTCTCCCTGGTTCC[G>A]ATTCATGTCACCCACGCAGGTCCAGGGCCCTTTTGGGGACACGCACCATTTGGAGTGGTC-3'
Protein context (NP_001366.1, residues 304-324): GPWTCVGDMN[Arg314Trp]NQGEEQRGGG